The following is an entry in ClinVar:

ClinVar aggregate classification (germline): Conflicting classifications of pathogenicity. Review status: criteria provided, conflicting classifications (1 of 4 stars). 5 submissions from 5 submitters: Pathogenic (1); Uncertain significance (3). 1 of the submissions does not count toward it. Last evaluated 2025-10-15.

Conditions:
Progressive myoclonic epilepsy type 5. Identifiers: Orphanet 402082, MedGen C5190799.
Sensory ataxic neuropathy, dysarthria, and ophthalmoparesis (SANDO). Also called: Ataxia Neuropathy Spectrum (ANS); Epilepsy, progressive myoclonic, type 5; Sensory ataxic neuropathy-dysarthria-ophthalmoparesis syndrome; SENSORY ATAXIC NEUROPATHY WITH MITOCHONDRIAL DNA DELETIONS, AUTOSOMAL RECESSIVE. Identifiers: Orphanet 70595, MedGen C1843851, MONDO:0011835, OMIM 607459.

Allele frequency attached by ClinVar (database versions not stated): gnomAD exomes 0.00001; ExAC 0.00002; TOPMed 0.00003; gnomAD 0.00004.
gnomAD v4.1: 24 of 1,614,116 alleles (0.0015%); highest among the groups gnomAD compares: Non-Finnish European, 0.0019%; no homozygotes.

Submissions (5):

Labcorp Genetics (formerly Invitae), Labcorp
Classification: Uncertain significance for Progressive myoclonic epilepsy type 5. Last evaluated: 2025-10-15. Review status: criteria provided, single submitter. Criteria: Invitae Variant Classification Sherloc (09022015). Collection method: clinical testing. Allele origin: germline.
Comment: This sequence change replaces valine, which is neutral and non-polar, with phenylalanine, which is neutral and non-polar, at codon 605 of the PRICKLE2 protein (p.Val605Phe). This variant is present in population databases (rs387906989, gnomAD 0.003%). This missense change has been observed in individual(s) with PRICKLE2-related conditions (PMID: 21276947). ClinVar contains an entry for this variant (Variation ID: 30733). Invitae Evidence Modeling of protein sequence and biophysical properties (such as structural, functional, and spatial information, amino acid conservation, physicochemical variation, residue mobility, and thermodynamic stability) indicates that this missense variant is not expected to disrupt PRICKLE2 protein function with a negative predictive value of 80%. Experimental studies have shown that this missense change affects PRICKLE2 function (PMID: 21276947). In summary, the available evidence is currently insufficient to determine the role of this variant in disease. Therefore, it has been classified as a Variant of Uncertain Significance.

Clinical Genomics Laboratory, Washington University in St. Louis
Classification: Uncertain significance. Last evaluated: 2024-04-17. Review status: criteria provided, single submitter. Criteria: ACMG Guidelines, 2015. Collection method: clinical testing. Allele origin: germline.
Comment: The PRICKLE2 c.1813G>T (p.Val605Phe) variant has been observed in two patients with myoclonic epilepsy, developmental regression and episodes concerning seizures (Tao H et al., PMID: 21276947; Yang Y et al., PMID: 25326635). This variant is only observed on 3/251,414 alleles in the general population (gnomAD v.2.1.1), indicating it is not a common variant. Computational predictors are uncertain as to the impact of this variant on PRICKLE2 function. This variant has been reported in the ClinVar database as a germline variant of uncertain significance by two submitters and pathogenic by one submitter in an individual with speech delay, regression, hypoglycemia, abnormal brain MRI, and possible seizures. Due to limited information, the clinical significance of this variant is uncertain.

Mendelics
Classification: Uncertain significance. Last evaluated: 2022-05-04. Review status: criteria provided, single submitter. Criteria: Mendelics Assertion Criteria 2019. Collection method: clinical testing. Allele origin: germline.

Baylor Genetics
Classification: Pathogenic for Sensory ataxic neuropathy, dysarthria, and ophthalmoparesis. Last evaluated: 2017-09-01. Review status: criteria provided, single submitter. Criteria: ACMG Guidelines, 2015. Collection method: clinical testing. Allele origin: maternal. Inheritance: Autosomal dominant inheritance. Affected: yes.

OMIM
Classification: Uncertain significance for RECLASSIFIED - VARIANT OF UNKNOWN SIGNIFICANCE. Last evaluated: 2011-02-11. Review status: no assertion criteria provided. Collection method: literature only. Allele origin: germline. Not counted in ClinVar's aggregate classification.

Literature cited by the submitters: PubMed 21276947 (cited by 3 submitters); PubMed 25326635 (cited by Baylor Genetics); PubMed 26942291 (cited by OMIM); PubMed 26942292 (cited by OMIM).

NM_198859.4(PRICKLE2):c.1813G>T (p.Val605Phe)

Genes: PRICKLE2 (prickle planar cell polarity protein 2; minus strand), PRICKLE2-AS1 (PRICKLE2 antisense RNA 1; plus strand). Cytogenetic location: 3p14.1.
Variant type: single nucleotide variant.
Coding change: c.1813G>T on transcript NM_198859.4 (MANE Select); coding-DNA position 1813, G replaced by T.
Protein change: p.Val605Phe; replaces valine 605 with phenylalanine.
Molecular consequence: missense variant. On other transcripts: non-coding transcript variant (1).
Genome position (GRCh38, 1-based): chr3:64,099,773, C>A on the plus strand (G>T on the coding strand, the complement: PRICKLE2 is on the minus strand). VCF-style: chr3-64099773-C-A. GRCh37 (hg19) VCF-style: chr3-64085449-C-A.
Other names: c.1813G>T, p.Val605Phe (NM_001370528.1); short protein forms V605F.
Identifiers: ClinVar variation 30733 (VCV000030733.6), dbSNP rs387906989, ClinGen allele CA129419.
Genomic context (GRCh38, chr3:64,099,773, plus strand): 5'-TGAGCTGGTGGAGGTTTCCCTCCATCTCCTGGTACTGCTGGGCAGAGAGCAGGCTGCGAA[C>A]TGACTCTGCGCTCCGGAACTGCATGGACGAGTTAAGAGTGCCCATGTTGCTCAGCTTCTC-3'
Protein context (NP_942559.1, residues 595-615): SSMQFRSAES[Val605Phe]RSLLSAQQYQ